The following is an entry in ClinVar:

ClinVar aggregate classification (germline): Uncertain significance (1 of 4 stars; one submission).

Allele frequency attached by ClinVar (database versions not stated): TOPMed below 0.00001; gnomAD 0.00001; gnomAD exomes 0.00001.
gnomAD v4.1: 8 of 1,613,288 alleles (0.0005%); highest among the groups gnomAD compares: Middle Eastern, 0.016%; no homozygotes.

Submission:

CeGaT Center for Human Genetics Tuebingen
Classification: Uncertain significance. Last evaluated: 2026-01-01. Review status: criteria provided, single submitter. Criteria: CeGaT Center For Human Genetics Tuebingen Variant Classification Criteria Version 2. Collection method: clinical testing. Allele origin: germline. Affected: yes. Observed: 4 variant alleles.
Comment: B3GAT3: PM2, PM3, BP4

NM_012200.4(B3GAT3):c.314G>A (p.Arg105Gln)

Gene: B3GAT3 (beta-1,3-glucuronyltransferase 3; minus strand). Cytogenetic location: 11q12.3.
Variant type: single nucleotide variant.
Coding change: c.314G>A on transcript NM_012200.4 (MANE Select); coding-DNA position 314, G replaced by A.
Protein change: p.Arg105Gln; replaces arginine 105 with glutamine.
Molecular consequence: missense variant. On other transcripts: non-coding transcript variant (1).
Genome position (GRCh38, 1-based): chr11:62,617,291, C>T on the plus strand (G>A on the coding strand, the complement: B3GAT3 is on the minus strand). VCF-style: chr11-62617291-C-T. GRCh37 (hg19) VCF-style: chr11-62384763-C-T.
Other names: c.293G>A, p.Arg98Gln (NM_001288721.2); c.314G>A, p.Arg105Gln (NM_001288722.2, NM_001288723.2); short protein forms R105Q, R98Q.
Identifiers: ClinVar variation 623773 (VCV000623773.43), dbSNP rs1317911252, ClinGen allele CA380977245.